The following is an entry in ClinVar:

NM_000717.5(CA4):c.813G>T (p.Arg271Ser)

Gene: CA4 (carbonic anhydrase 4; plus strand). Cytogenetic location: 17q23.1.
Variant type: single nucleotide variant.
Coding change: c.813G>T on transcript NM_000717.5 (MANE Select); coding-DNA position 813, G replaced by T.
Protein change: p.Arg271Ser; replaces arginine 271 with serine.
Molecular consequence: missense variant. On other transcripts: non-coding transcript variant (1).
Genome position (GRCh38, 1-based): chr17:60,159,298, G>T. VCF-style: chr17-60159298-G-T. GRCh37 (hg19) VCF-style: chr17-58236659-G-T.
Other names: short protein forms R271S.
Identifiers: ClinVar variation 3017556 (VCV003017556.3), dbSNP rs775003473, ClinGen allele CA8685545.
Genomic context (GRCh38, chr17:60,159,298, plus strand): 5'-ATTCTCTCAGAAGCTGTACTACGACAAGGAACAGACAGTGAGCATGAAGGACAATGTCAG[G>T]CCCCTGCAGCAGCTGGGGCAGCGCACGGTGATAAAGTCCGGGGCCCCGGGTCGGCCGCTG-3'
Protein context (NP_000708.1, residues 261-281): EQTVSMKDNV[Arg271Ser]PLQQLGQRTV

ClinVar aggregate classification (germline): Uncertain significance (1 of 4 stars; one submission).

Allele frequency attached by ClinVar (database versions not stated): TOPMed 0.00002.
gnomAD v4.1: 21 of 1,610,062 alleles (0.0013%); highest among the groups gnomAD compares: African/African-American, 0.0027%; no homozygotes.

Submission:

Labcorp Genetics (formerly Invitae), Labcorp
Classification: Uncertain significance. Last evaluated: 2023-04-23. Review status: criteria provided, single submitter. Criteria: Invitae Variant Classification Sherloc (09022015). Collection method: clinical testing. Allele origin: germline.
Comment: In summary, the available evidence is currently insufficient to determine the role of this variant in disease. Therefore, it has been classified as a Variant of Uncertain Significance. Advanced modeling of protein sequence and biophysical properties (such as structural, functional, and spatial information, amino acid conservation, physicochemical variation, residue mobility, and thermodynamic stability) performed at Invitae indicates that this missense variant is expected to disrupt CA4 protein function. This missense change has been observed in individual(s) with clinical features of retinal dystrophy (Invitae). This variant is present in population databases (rs775003473, gnomAD 0.004%). This sequence change replaces arginine, which is basic and polar, with serine, which is neutral and polar, at codon 271 of the CA4 protein (p.Arg271Ser).